The following is an entry in ClinVar:

ClinVar aggregate classification (germline): Uncertain significance. Review status: criteria provided, multiple submitters, no conflicts (2 of 4 stars). 2 submissions from 2 submitters: Uncertain significance (2). Last evaluated 2024-06-06.

Conditions:
Inborn genetic diseases. Identifiers: MedGen C0950123, MeSH D030342.

Allele frequency attached by ClinVar (database versions not stated): ExAC 0.00001; gnomAD 0.00001; TOPMed 0.00001.
gnomAD v4.1: 12 of 1,613,604 alleles (0.00074%); highest among the groups gnomAD compares: Non-Finnish European, 0.001%; no homozygotes.

Submissions (2):

Labcorp Genetics (formerly Invitae), Labcorp
Classification: Uncertain significance. Last evaluated: 2024-06-06. Review status: criteria provided, single submitter. Criteria: Invitae Variant Classification Sherloc (09022015). Collection method: clinical testing. Allele origin: germline.
Comment: This sequence change replaces glycine, which is neutral and non-polar, with cysteine, which is neutral and slightly polar, at codon 305 of the COL10A1 protein (p.Gly305Cys). This variant is present in population databases (rs777254139, gnomAD 0.003%). This variant has not been reported in the literature in individuals affected with COL10A1-related conditions. ClinVar contains an entry for this variant (Variation ID: 2544151). Advanced modeling of protein sequence and biophysical properties (such as structural, functional, and spatial information, amino acid conservation, physicochemical variation, residue mobility, and thermodynamic stability) performed at Invitae indicates that this missense variant is expected to disrupt COL10A1 protein function with a positive predictive value of 80%. In summary, the available evidence is currently insufficient to determine the role of this variant in disease. Therefore, it has been classified as a Variant of Uncertain Significance.

Ambry Genetics
Classification: Uncertain significance for Inborn genetic diseases. Last evaluated: 2023-05-05. Review status: criteria provided, single submitter. Criteria: Ambry Variant Classification Scheme 2023. Collection method: clinical testing. Allele origin: germline.

NM_000493.4(COL10A1):c.913G>T (p.Gly305Cys)

Genes: COL10A1 (collagen type X alpha 1 chain; minus strand), NT5DC1 (5'-nucleotidase domain containing 1; plus strand). Cytogenetic location: 6q22.1.
Variant type: single nucleotide variant.
Coding change: c.913G>T on transcript NM_000493.4 (MANE Select); coding-DNA position 913, G replaced by T.
Protein change: p.Gly305Cys; replaces glycine 305 with cysteine.
Molecular consequence: missense variant. On other transcripts: intron variant (1).
Genome position (GRCh38, 1-based): chr6:116,121,203, C>A on the plus strand (G>T on the coding strand, the complement: COL10A1 is on the minus strand). VCF-style: chr6-116121203-C-A. GRCh37 (hg19) VCF-style: chr6-116442366-C-A.
Other names: c.913G>T, p.Gly305Cys (NM_001424106.1, NM_001424107.1); c.529+3258C>A (NM_152729.3); short protein forms G305C.
Identifiers: ClinVar variation 2544151 (VCV002544151.5), dbSNP rs777254139, ClinGen allele CA3968297.
Genomic context (GRCh38, chr6:116,121,203, plus strand): 5'-GTTCCCCTTTGGCACCTGGACCCCCAGGAAGGCCAGCAGGTCCTCTTTCTCCCTTCAGGC[C>A]TGGCAAGCCTGGTTTCCCAAAGCCAGGAGGCCCTGGGGGCCCAGCTATTCCTGGAGCCCC-3'
Protein context (NP_000484.2, residues 295-315): PPGFGKPGLP[Gly305Cys]LKGERGPAGL